The following is an entry in ClinVar:

ClinVar aggregate classification (germline): Uncertain significance (1 of 4 stars; one submission).

Conditions:
Jeune thoracic dystrophy. Also called: Short-rib thoracic dysplasia; Jeune syndrome; Infantile thoracic dystrophy; Thoracic pelvic phalangeal dystrophy; Jeune's syndrome; Chondroectodermal dysplasia-like syndrome. Identifiers: Orphanet 474, MedGen C0265275, MONDO:0018770.

Submission:

Labcorp Genetics (formerly Invitae), Labcorp
Classification: Uncertain significance for Jeune thoracic dystrophy. Last evaluated: 2022-08-02. Review status: criteria provided, single submitter. Criteria: Invitae Variant Classification Sherloc (09022015). Collection method: clinical testing. Allele origin: germline.
Comment: A copy number gain of the genomic region encompassing the full coding sequence of the IFT80 gene has been identified. The boundaries of this event are unknown as they extend beyond the assayed region for this gene and therefore may encompass additional genes. As the precise location of this event is unknown, it may be in tandem or it may be located elsewhere in the genome. This variant has not been reported in the literature in individuals affected with IFT80-related conditions. In summary, the available evidence is currently insufficient to determine the role of this variant in disease. Therefore, it has been classified as a Variant of Uncertain Significance.

NC_000003.11:g.(?_159976313)_(160102388_?)dup

Gene: IFT80 (intraflagellar transport 80; minus strand). Cytogenetic location: 3q25.33.
Variant type: Duplication.
Identifiers: ClinVar variation 2426600 (VCV002426600.3).